The following is an entry in ClinVar:

ClinVar aggregate classification (germline): Pathogenic (1 of 4 stars; one submission).

Conditions:
Focal segmental glomerulosclerosis and neurodevelopmental syndrome. Identifiers: MedGen C5561938, MONDO:0100111, OMIM 619428.

Submission:

Nephrology Department, The Second Affiliated Hospital of Anhui Medical University
Classification: Pathogenic for Focal segmental glomerulosclerosis and neurodevelopmental syndrome. Review status: criteria provided, single submitter. Criteria: ACMG Guidelines, 2015. Collection method: clinical testing. Allele origin: unknown. Inheritance: Autosomal dominant inheritance. Affected: yes.
Comment: We classify this novel heterozygous nonsense variant (c.1153G>T) in TRIM8 as Pathogenic according to the ACMG/AMP guidelines. The classification is based on the following evidence: PVS1: This is a nonsense variant (p.Glu385*) located in the final exon of TRIM8, and is predicted to cause loss of function by introducing a premature termination codon. Null variants in this gene are a known mechanism of disease. PS1: Multiple independent reports have documented different nonsense mutations located downstream of this variant (PMID:38674071,PMID:33508234,PMID:32531461,PMID:39708126) that are established as pathogenic. Our variant (c.1153G>T) is expected to result in a similar or more severe truncation, leading to the loss of the critical C-terminal domain. PM2: This variant is absent from population databases (gnomAD).

Literature cited by the submitters: PubMed 38674071; PubMed 33508234; PubMed 32531461; PubMed 39708126.

NM_030912.3(TRIM8):c.1153G>T (p.Glu385Ter)

Gene: TRIM8 (tripartite motif containing 8; plus strand). Cytogenetic location: 10q24.32.
Variant type: single nucleotide variant.
Coding change: c.1153G>T on transcript NM_030912.3 (MANE Select); coding-DNA position 1153, G replaced by T.
Protein change: p.Glu385Ter; replaces glutamic acid 385 with a stop codon.
Molecular consequence: nonsense. On other transcripts: non-coding transcript variant (1).
Genome position (GRCh38, 1-based): chr10:102,656,851, G>T. VCF-style: chr10-102656851-G-T. GRCh37 (hg19) VCF-style: chr10-104416608-G-T.
Other names: c.1057G>T, p.Glu353Ter (NM_001345950.1); short protein forms E353*, E385*.
Identifiers: ClinVar variation 4532243 (VCV004532243.1).